The following is an entry in ClinVar:

ClinVar aggregate classification (germline): Benign/Likely benign. Review status: criteria provided, multiple submitters, no conflicts (2 of 4 stars). 6 submissions from 6 submitters: Benign (4); Likely benign (2). Last evaluated 2025-12-26.

Conditions:
Familial thoracic aortic aneurysm and aortic dissection (TAAD). Also called: Thoracic aortic aneurysms and dissections. Identifiers: Orphanet 91387, MedGen C4707243, MONDO:0019625.
Ehlers-Danlos syndrome, type 4 (EDSVASC). Also called: Ehlers-Danlos syndrome vascular type; Ehlers Danlos syndrome, ecchymotic type; Ehlers Danlos syndrome, arterial type; Ehlers Danlos syndrome, Sack-Barabas type; Ehlers-Danlos Syndrome Type IV. Identifiers: Orphanet 286, MedGen C0268338, MONDO:0017314, OMIM 130050.

Allele frequency attached by ClinVar (database versions not stated): gnomAD exomes 0.00011 and 0.00023; 1000 Genomes Project 0.00040; ExAC 0.00052; 1000 Genomes Project 30x 0.00062; TOPMed 0.00081; ESP Exome Variant Server 0.00085; gnomAD 0.00086 and 0.00093.
gnomAD v4.1: 276 of 1,559,370 alleles (0.018%); highest among the groups gnomAD compares: African/African-American, 0.35%; 1 homozygote.

Submissions (6):

Labcorp Genetics (formerly Invitae), Labcorp
Classification: Benign for Ehlers-Danlos syndrome, type 4. Last evaluated: 2025-12-26. Review status: criteria provided, single submitter. Criteria: Invitae Variant Classification Sherloc (09022015). Collection method: clinical testing. Allele origin: germline.

Blueprint Genetics
Classification: Likely benign. Last evaluated: 2023-06-29. Review status: criteria provided, single submitter. Criteria: ACMG Guidelines, 2015. Collection method: clinical testing. Allele origin: germline.

Women's Health and Genetics/Laboratory Corporation of America, LabCorp
Classification: Benign. Last evaluated: 2021-08-23. Review status: criteria provided, single submitter. Criteria: LabCorp Variant Classification Summary - May 2015. Collection method: clinical testing. Allele origin: germline.
Comment: Variant summary: COL3A1 c.1051-13G>A alters a non-conserved nucleotide located close to a canonical splice site and therefore could affect mRNA splicing, leading to a significantly altered protein sequence. 2/2 computational tools predict no significant impact on normal splicing. However, these predictions have yet to be confirmed by functional studies. The variant allele was found at a frequency of 0.00085 in 150898 control chromosomes, predominantly at a frequency of 0.003 within the African or African-American subpopulation in the gnomAD database (v3.1 genomes dataset), including 1 homozygote. The observed variant frequency within African or African-American control individuals in the gnomAD database is approximately 2000 fold of the estimated maximal expected allele frequency for a pathogenic variant in COL3A1 causing Ehlers-Danlos Syndrome, Vascular Type phenotype (1.5e-06), strongly suggesting that the variant is a benign polymorphism found primarily in populations of African or African-American origin. To our knowledge, no occurrence of c.1051-13G>A in individuals affected with Ehlers-Danlos Syndrome, Vascular Type and no experimental evidence demonstrating its impact on protein function have been reported. Three clinical diagnostic laboratories have submitted clinical-significance assessments for this variant to ClinVar after 2014 without evidence for independent evaluation. All laboratories classified the variant as benign/likely benign. Based on the evidence outlined above, the variant was classified as benign.

Color Diagnostics, LLC DBA Color Health
Classification: Benign for Familial thoracic aortic aneurysm and aortic dissection. Last evaluated: 2018-12-10. Review status: criteria provided, single submitter. Criteria: ACMG Guidelines, 2015. Collection method: clinical testing. Allele origin: germline.

Laboratory for Molecular Medicine, Mass General Brigham Personalized Medicine
Classification: Likely benign. Last evaluated: 2016-04-21. Review status: criteria provided, single submitter. Criteria: LMM Criteria. Collection method: clinical testing. Allele origin: germline. Observed: 1 variant allele.
Comment: c.1051-13G>A in intron 15 of COL3A1: This variant is not expected to have clinic al significance because it has been identified in 0.37% (11/3000) of African chr omosomes by the Exome Aggregation Consortium (ExAC, rg; dbSNP rs371934572).

GeneDx
Classification: Benign. Last evaluated: 2014-08-22. Review status: criteria provided, single submitter. Criteria: GeneDx Variant Classification (06012015). Collection method: clinical testing. Allele origin: germline. Affected: yes.
Comment: This variant is considered likely benign or benign based on one or more of the following criteria: it is a conservative change, it occurs at a poorly conserved position in the protein, it is predicted to be benign by multiple in silico algorithms, and/or has population frequency not consistent with disease.

NM_000090.4(COL3A1):c.1051-13G>A

Gene: COL3A1 (collagen type III alpha 1 chain; plus strand). Cytogenetic location: 2q32.2.
Variant type: single nucleotide variant.
Coding change: c.1051-13G>A on transcript NM_000090.4 (MANE Select); 13 bases into the intron before coding-DNA position 1051, G replaced by A.
Molecular consequence: intron variant.
Genome position (GRCh38, 1-based): chr2:188,993,348, G>A. VCF-style: chr2-188993348-G-A. GRCh37 (hg19) VCF-style: chr2-189858074-G-A.
Identifiers: ClinVar variation 199692 (VCV000199692.19), dbSNP rs371934572, ClinGen allele CA004042.